The following is an entry in ClinVar:

ClinVar aggregate classification (germline): Uncertain significance (1 of 4 stars; one submission).

gnomAD v4.1: 95 of 1,590,988 alleles (0.006%); highest among the groups gnomAD compares: Non-Finnish European, 0.008%; no homozygotes.

Submission:

CeGaT Center for Human Genetics Tuebingen
Classification: Uncertain significance. Last evaluated: 2026-09-01. Review status: criteria provided, single submitter. Criteria: CeGaT Center For Human Genetics Tuebingen Variant Classification Criteria Version 2. Collection method: clinical testing. Allele origin: germline. Affected: yes. Observed: 1 variant allele.
Comment: UGGT1: PM2

NM_020120.4(UGGT1):c.2260+4A>C

Gene: UGGT1 (UDP-glucose glycoprotein glucosyltransferase 1; plus strand). Cytogenetic location: 2q14.3.
Variant type: single nucleotide variant.
Coding change: c.2260+4A>C on transcript NM_020120.4 (MANE Select); 4 bases into the intron after coding-DNA position 2260, A replaced by C.
Molecular consequence: intron variant.
Genome position (GRCh38, 1-based): chr2:128,156,419, A>C. VCF-style: chr2-128156419-A-C. GRCh37 (hg19) VCF-style: chr2-128913993-A-C.
Identifiers: ClinVar variation 5041420 (VCV005041420.1).
Genomic context (GRCh38, chr2:128,156,419, plus strand): 5'-TTTTTCTACTCTTTTCTCTTTACCTTTGTTCAGGAATGTCCTCCAAGGAAATCTATGGTA[A>C]CTTAAAACTTCAGAATGTTCTATTTCTTAATTTTCTTCTTTGGTTTCAGTGACCATTGTA-3'